The following is an entry in ClinVar:

NM_002055.5(GFAP):c.931C>T (p.Arg311Cys)

Gene: GFAP (glial fibrillary acidic protein; minus strand). Cytogenetic location: 17q21.31.
Variant type: single nucleotide variant.
Coding change: c.931C>T on transcript NM_002055.5 (MANE Select); coding-DNA position 931, C replaced by T.
Protein change: p.Arg311Cys; replaces arginine 311 with cysteine.
Molecular consequence: missense variant.
Genome position (GRCh38, 1-based): chr17:44,911,432, G>A on the plus strand (C>T on the coding strand, the complement: GFAP is on the minus strand). VCF-style: chr17-44911432-G-A. GRCh37 (hg19) VCF-style: chr17-42988800-G-A.
Other names: c.931C>T, p.Arg311Cys (NM_001131019.3, NM_001242376.3, NM_001363846.2); short protein forms R311C.
Identifiers: ClinVar variation 5017822 (VCV005017822.1).

ClinVar aggregate classification (germline): Uncertain significance (1 of 4 stars; one submission).

Submission:

GeneDx
Classification: Uncertain significance. Last evaluated: 2026-03-28. Review status: criteria provided, single submitter. Criteria: GeneDx Variant Classification Process June 2021. Collection method: clinical testing. Allele origin: germline.
Comment: Not observed at significant frequency in large population cohorts (gnomAD); In silico analysis supports that this missense variant has a deleterious effect on protein structure/function; Has not been previously published as pathogenic or benign to our knowledge